The following is an entry in ClinVar:

ClinVar aggregate classification (germline): Uncertain significance (1 of 4 stars; one submission).

Conditions:
Familial thoracic aortic aneurysm and aortic dissection (TAAD). Also called: Thoracic aortic aneurysms and dissections. Identifiers: Orphanet 91387, MedGen C4707243, MONDO:0019625.

Submission:

Color Diagnostics, LLC DBA Color Health
Classification: Uncertain significance for Familial thoracic aortic aneurysm and aortic dissection. Last evaluated: 2020-08-05. Review status: criteria provided, single submitter. Criteria: ACMG Guidelines, 2015. Collection method: clinical testing. Allele origin: germline.
Comment: This variant is located in the 3' untranslated region of the SMAD3 gene. To our knowledge, functional studies have not been reported for this variant. This variant has not been reported in individuals affected with cardiovascular disorders in the literature. This variant has not been identified in the general population by the Genome Aggregation Database (gnomAD). The available evidence is insufficient to determine the role of this variant in disease conclusively. Therefore, this variant is classified as a Variant of Uncertain Significance.

NM_005902.4(SMAD3):c.-17_-15delinsACA

Genes: SMAD3 (SMAD family member 3; plus strand), LOC130057352 (ATAC-STARR-seq lymphoblastoid silent region 6574; plus strand). Cytogenetic location: 15q22.33.
Variant type: Indel.
Coding change: c.-17_-15delinsACA on transcript NM_005902.4 (MANE Select); 17 bases upstream of the start codon through 15 bases upstream of the start codon, GCG replaced by ACA.
Molecular consequence: 5 prime UTR variant.
Genome position (GRCh38, 1-based): chr15:67,066,138-67,066,140, GCG replaced by ACA. VCF-style: chr15-67066138-GCG-ACA. GRCh37 (hg19) VCF-style: chr15-67358476-GCG-ACA.
Identifiers: ClinVar variation 1172449 (VCV001172449.2), dbSNP rs2140188640, ClinGen allele CA2499223055.